The following is an entry in ClinVar:

ClinVar aggregate classification (germline): Uncertain significance (1 of 4 stars; one submission).

Conditions:
Kabuki syndrome. Also called: NIIKAWA-KUROKI SYNDROME; Kabuki make-up syndrome. Identifiers: Orphanet 2322, MedGen C0796004, MONDO:0016512.

Submission:

Labcorp Genetics (formerly Invitae), Labcorp
Classification: Uncertain significance for Kabuki syndrome. Last evaluated: 2024-08-12. Review status: criteria provided, single submitter. Criteria: Invitae Variant Classification Sherloc (09022015). Collection method: clinical testing. Allele origin: germline.
Comment: This sequence change falls in intron 32 of the KMT2D gene. It does not directly change the encoded amino acid sequence of the KMT2D protein. It affects a nucleotide within the consensus splice site. This variant is not present in population databases (gnomAD no frequency). This variant has not been reported in the literature in individuals affected with KMT2D-related conditions. Variants that disrupt the consensus splice site are a relatively common cause of aberrant splicing (PMID: 17576681, 9536098). Algorithms developed to predict the effect of sequence changes on RNA splicing suggest that this variant is not likely to affect RNA splicing. In summary, the available evidence is currently insufficient to determine the role of this variant in disease. Therefore, it has been classified as a Variant of Uncertain Significance.

Literature cited by the submitters: PubMed 17576681; PubMed 9536098.

NM_003482.4(KMT2D):c.8229+4G>C

Gene: KMT2D (lysine methyltransferase 2D; minus strand). Cytogenetic location: 12q13.12.
Variant type: single nucleotide variant.
Coding change: c.8229+4G>C on transcript NM_003482.4 (MANE Select); 4 bases into the intron after coding-DNA position 8229, G replaced by C.
Molecular consequence: intron variant.
Genome position (GRCh38, 1-based): chr12:49,039,431, C>G on the plus strand (G>C on the coding strand, the complement: KMT2D is on the minus strand). VCF-style: chr12-49039431-C-G. GRCh37 (hg19) VCF-style: chr12-49433214-C-G.
Identifiers: ClinVar variation 3662162 (VCV003662162.2).